The following is an entry in ClinVar:

ClinVar aggregate classification (germline): Benign. Review status: criteria provided, multiple submitters, no conflicts (2 of 4 stars). 9 submissions from 8 submitters: Benign (7). 2 of the submissions do not count toward it. Last evaluated 2026-02-04.

Conditions:
Leigh syndrome (NULS). Also called: Leigh Disease; Subacute necrotizing encephalopathy; Necrotizing encephalopathy infantile subacute of Leigh; Leigh's necrotizing encephalopathy; Leigh's disease; Leigh Syndrome (mtDNA deletion). Identifiers: Orphanet 506, MedGen C2931891, MONDO:0009723, OMIM 256000.
Mitochondrial complex I deficiency, nuclear type 1. Also called: NADH-COENZYME Q REDUCTASE DEFICIENCY; MITOCHONDRIAL NADH DEHYDROGENASE COMPONENT OF COMPLEX I, DEFICIENCY OF. Identifiers: MedGen C6022305, MONDO:0100224, OMIM 252010.

Allele frequency attached by ClinVar (database versions not stated): ExAC 0.62765; gnomAD exomes 0.63058; gnomAD 0.65820 and 0.65985; ESP Exome Variant Server 0.66154; TOPMed 0.66801; 1000 Genomes Project 0.68091; 1000 Genomes Project 30x 0.68613.
gnomAD v4.1: 984,998 of 1,614,084 alleles (61%); highest among the groups gnomAD compares: African/African-American, 81%; 303,287 homozygotes.

Submissions (9):

Labcorp Genetics (formerly Invitae), Labcorp
Classification: Benign. Last evaluated: 2026-02-04. Review status: criteria provided, single submitter. Criteria: Invitae Variant Classification Sherloc (09022015). Collection method: clinical testing. Allele origin: germline.

Blueprint Genetics
Classification: Benign. Last evaluated: 2024-11-26. Review status: criteria provided, single submitter. Criteria: ACMG Guidelines, 2015. Collection method: clinical testing. Allele origin: germline.

Genome-Nilou Lab
Classification: Benign for Mitochondrial complex I deficiency, nuclear type 1. Last evaluated: 2021-09-05. Review status: criteria provided, single submitter. Criteria: ACMG Guidelines, 2015. Collection method: clinical testing. Allele origin: germline. Affected: no.

Illumina Laboratory Services, Illumina
Classification: Benign for Leigh syndrome. Last evaluated: 2018-01-12. Review status: criteria provided, single submitter. Criteria: ICSL Variant Classification Criteria 13 December 2019. Collection method: clinical testing. Allele origin: germline.
Comment: This variant was observed in the ICSL laboratory as part of a predisposition screen in an ostensibly healthy population. It had not been previously curated by ICSL or reported in the Human Gene Mutation Database (HGMD: prior to June 1st, 2018), and was therefore a candidate for classification through an automated scoring system. Utilizing variant allele frequency, disease prevalence and penetrance estimates, and inheritance mode, an automated score was calculated to assess if this variant is too frequent to cause the disease. Based on the score and internal cut-off values, a variant classified as benign is not then subjected to further curation. The score for this variant resulted in a classification of benign for this disease.

Illumina Laboratory Services, Illumina
Classification: Benign for Mitochondrial complex I deficiency, nuclear type 1. Last evaluated: 2018-01-12. Review status: criteria provided, single submitter. Criteria: ICSL Variant Classification Criteria 13 December 2019. Collection method: clinical testing. Allele origin: germline.
Comment: the same text as in the submission from Illumina Laboratory Services, Illumina above.

GeneDx
Classification: Benign. Last evaluated: 2015-03-03. Review status: criteria provided, single submitter. Criteria: GeneDx Variant Classification Process June 2021. Collection method: clinical testing. Allele origin: germline. Affected: yes.

Breakthrough Genomics
Classification: Benign. Review status: criteria provided, single submitter. Criteria: ACMG Guidelines, 2015. Collection method: not provided. Allele origin: germline. Inheritance: Autosomal recessive inheritance. Affected: yes.

Mayo Clinic Laboratories, Mayo Clinic
Classification: Benign. Last evaluated: 2016-02-19. Review status: no assertion criteria provided. Collection method: clinical testing. Allele origin: unknown. Not counted in ClinVar's aggregate classification.

Genetic Services Laboratory, University of Chicago
Classification: Likely benign for AllHighlyPenetrant. Review status: no assertion criteria provided. Collection method: clinical testing. Allele origin: germline. Inheritance: Autosomal recessive inheritance. Not counted in ClinVar's aggregate classification.
Comment: Likely benign based on allele frequency in 1000 Genomes Project or ESP global frequency and its presence in a patient with a rare or unrelated disease phenotype. NOT Sanger confirmed.

NM_002495.4(NDUFS4):c.12G>C (p.Val4=)

Genes: NDUFS4 (NADH:ubiquinone oxidoreductase subunit S4; plus strand), LOC129993885 (ATAC-STARR-seq lymphoblastoid active region 22547; plus strand). Cytogenetic location: 5q11.2.
Variant type: single nucleotide variant.
Coding change: c.12G>C on transcript NM_002495.4 (MANE Select); coding-DNA position 12, G replaced by C.
Protein change: p.Val4=; no amino-acid change (valine 4 retained).
Molecular consequence: synonymous variant. On other transcripts: non-coding transcript variant (3).
Genome position (GRCh38, 1-based): chr5:53,560,674, G>C. VCF-style: chr5-53560674-G-C. GRCh37 (hg19) VCF-style: chr5-52856504-G-C.
Other names: c.12G>C, p.Val4= (NM_001318051.2).
Identifiers: ClinVar variation 129699 (VCV000129699.26), dbSNP rs2279516, ClinGen allele CA153869.
Genomic context (GRCh38, chr5:53,560,674, plus strand): 5'-GTCCCTTGCGGTGATCCGTCCTTTCATCCTGGCGTTTGCCTGCAGCAAGATGGCGGCGGT[G>C]TCAATGTCAGTGGTACTGAGGCAGACGTTGTGGCGGAGAAGGGCAGTGGCTGTAGCTGCC-3'
Protein context (NP_002486.1, residues 1-14): MAA[Val4=]SMSVVLRQTL